The following is an entry in ClinVar:

ClinVar aggregate classification (germline): Uncertain significance (1 of 4 stars; one submission).

Conditions:
KANSL1-related disorder. Also called: KANSL1-related condition.

Submission:

PreventionGenetics, part of Exact Sciences
Classification: Uncertain significance for KANSL1-related condition. Last evaluated: 2026-06-06. Review status: criteria provided, single submitter. Criteria: ACMG Guidelines, 2015. Collection method: clinical testing. Allele origin: germline.
Comment: The KANSL1 c.2542-15_2542-4del12 variant is predicted to result in an intronic deletion. This variant is predicted to alter splicing based on available splicing prediction programs (SpliceAI, Jaganathan et al. 2019. PubMed ID: 30661751). However, the use of computer prediction programs is not equivalent to functional evidence.To our knowledge, this variant has not been reported in the literature or in a large population database (gnomAD), indicating this variant is rare. Although we suspect that this variant may be pathogenic, at this time, the clinical significance of this variant is uncertain due to the absence of conclusive functional and genetic evidence.

NM_015443.4(KANSL1):c.2542-15_2542-4del

Gene: KANSL1 (KAT8 regulatory NSL complex subunit 1). Cytogenetic location: 17q21.31.
Variant type: Deletion.
Coding change: c.2542-15_2542-4del on transcript NM_015443.4 (MANE Select); 15 bases into the intron before coding-DNA position 2542 through 4 bases into the intron before coding-DNA position 2542, this stretch deleted.
Molecular consequence: intron variant.
Genome position: GRCh38 VCF-style: chr17-46034288-GTAAGATAAAAAT-G. GRCh37 (hg19) VCF-style: chr17-44111654-GTAAGATAAAAAT-G.
Other names: c.1087-18_1087-7del (NM_001405885.1); c.1087-15_1087-4del (NM_001405884.1); c.1276-18_1276-7del (NM_001405883.1); c.1276-15_1276-4del (NM_001405882.1); c.2440-18_2440-7del (NM_001405881.1, NM_001405861.1); c.2440-15_2440-4del (NM_001405859.1, NM_001405860.1); c.2353-18_2353-7del (NM_001405879.1, NM_001405880.1); c.2353-15_2353-4del (NM_001405875.1, NM_001405878.1, NM_001405877.1 and 1 more transcripts); and 2 more.
Identifiers: ClinVar variation 4991942 (VCV004991942.1).
Genomic context (GRCh38, chr17:46,034,288, plus strand): 5'-TGACAATGTTGTTAATATCAAATGAGCTCTCTCCCCTTCTCCTCCTTACTGGCTGCTGCT[GTAAGATAAAAAT>G]TAAGTTTAAAAGGAAGGTACAATTTTACAGACATCAAATCATTCATCTAAGAGTTAAAGC-3'